The following is an entry in ClinVar:

ClinVar aggregate classification (germline): Benign (1 of 4 stars; one submission).

Allele frequency attached by ClinVar (database versions not stated): 1000 Genomes Project 0.10423; gnomAD 0.10816 and 0.11275; 1000 Genomes Project 30x 0.10821; TOPMed 0.11905.
gnomAD v4.1: 16,467 of 152,116 alleles (11%); highest among the groups gnomAD compares: African/African-American, 24%; 1,449 homozygotes.

Submission:

GeneDx
Classification: Benign. Last evaluated: 2018-06-14. Review status: criteria provided, single submitter. Criteria: GeneDx Variant Classification (06012015). Collection method: clinical testing. Allele origin: germline. Affected: yes.
Comment: This variant is considered likely benign or benign based on one or more of the following criteria: it is a conservative change, it occurs at a poorly conserved position in the protein, it is predicted to be benign by multiple in silico algorithms, and/or has population frequency not consistent with disease.

NM_006258.4(PRKG1):c.1896-263G>A

Gene: PRKG1 (protein kinase cGMP-dependent 1; plus strand). Cytogenetic location: 10q21.1.
Variant type: single nucleotide variant.
Coding change: c.1896-263G>A on transcript NM_006258.4 (MANE Select); 263 bases into the intron before coding-DNA position 1896, G replaced by A.
Molecular consequence: intron variant.
Genome position (GRCh38, 1-based): chr10:52,289,961, G>A. VCF-style: chr10-52289961-G-A. GRCh37 (hg19) VCF-style: chr10-54049721-G-A.
Other names: c.1851-263G>A (NM_001098512.3).
Identifiers: ClinVar variation 683725 (VCV000683725.1), dbSNP rs16928983, ClinGen allele CA207401663.
Genomic context (GRCh38, chr10:52,289,961, plus strand): 5'-AAGGCACAGGGCCAGACACATTATGACATGTATTAAATTTTAATTATAGTGTAGGAACAA[G>A]GTCATAGAGACATTATGACTGAATTACAAGGAATAAGTGTTGCATGTTAATTGGTGTTTA-3'